The following is an entry in ClinVar:

ClinVar aggregate classification (germline): Likely benign (1 of 4 stars; one submission).

Allele frequency attached by ClinVar (database versions not stated): ExAC 0.00001; gnomAD exomes 0.00001; ESP Exome Variant Server 0.00008.
gnomAD v4.1: 16 of 1,611,544 alleles (0.00099%); highest among the groups gnomAD compares: Non-Finnish European, 0.0014%; no homozygotes.

Submission:

GeneDx
Classification: Likely benign. Last evaluated: 2016-07-25. Review status: criteria provided, single submitter. Criteria: GeneDx Variant Classification (06012015). Collection method: clinical testing. Allele origin: germline. Affected: yes.
Comment: This variant is considered likely benign or benign based on one or more of the following criteria: it is a conservative change, it occurs at a poorly conserved position in the protein, it is predicted to be benign by multiple in silico algorithms, and/or has population frequency not consistent with disease.

NM_020822.3(KCNT1):c.3027+14G>A

Gene: KCNT1 (potassium sodium-activated channel subfamily T member 1; plus strand). Cytogenetic location: 9q34.3.
Variant type: single nucleotide variant.
Coding change: c.3027+14G>A on transcript NM_020822.3 (MANE Select); 14 bases into the intron after coding-DNA position 3027, G replaced by A.
Molecular consequence: intron variant.
Genome position (GRCh38, 1-based): chr9:135,784,632, G>A. VCF-style: chr9-135784632-G-A. GRCh37 (hg19) VCF-style: chr9-138676478-G-A.
Other names: c.2892+14G>A (NM_001272003.2).
Identifiers: ClinVar variation 387875 (VCV000387875.1), dbSNP rs370564938, ClinGen allele CA5327571.